The following is an entry in ClinVar:

NM_001006630.2(CHRM2):c.914A>G (p.Glu305Gly)

Genes: CHRM2 (cholinergic receptor muscarinic 2; plus strand), LOC349160 (uncharacterized LOC349160; minus strand). Cytogenetic location: 7q33.
Variant type: single nucleotide variant.
Coding change: c.914A>G on transcript NM_001006630.2 (MANE Select); coding-DNA position 914, A replaced by G.
Protein change: p.Glu305Gly; replaces glutamic acid 305 with glycine.
Molecular consequence: missense variant.
Genome position (GRCh38, 1-based): chr7:137,015,779, A>G. VCF-style: chr7-137015779-A-G. GRCh37 (hg19) VCF-style: chr7-136700526-A-G.
Other names: c.914A>G, p.Glu305Gly (NM_000739.3, NM_001006626.3, NM_001006627.3 and 6 more transcripts); c.914A>G (NM_000739.2); short protein forms E305G.
Identifiers: ClinVar variation 1523773 (VCV001523773.9), dbSNP rs915877356, ClinGen allele CA167698563.

ClinVar aggregate classification (germline): Uncertain significance. Review status: criteria provided, multiple submitters, no conflicts (2 of 4 stars). 2 submissions from 2 submitters: Uncertain significance (2). Last evaluated 2025-12-11.

Allele frequency attached by ClinVar (database versions not stated): gnomAD exomes 0.00001 and below 0.00001; gnomAD 0.00001; TOPMed 0.00002.
gnomAD v4.1: 9 of 1,613,086 alleles (0.00056%); highest among the groups gnomAD compares: African/African-American, 0.004%; no homozygotes.

Submissions (2):

Ambry Genetics
Classification: Uncertain significance. Last evaluated: 2025-12-11. Review status: criteria provided, single submitter. Criteria: Ambry Variant Classification Scheme 2023. Collection method: clinical testing. Allele origin: germline.

Labcorp Genetics (formerly Invitae), Labcorp
Classification: Uncertain significance. Last evaluated: 2022-07-05. Review status: criteria provided, single submitter. Criteria: Invitae Variant Classification Sherloc (09022015). Collection method: clinical testing. Allele origin: germline.
Comment: This variant is present in population databases (no rsID available, gnomAD 0.007%). This sequence change replaces glutamic acid, which is acidic and polar, with glycine, which is neutral and non-polar, at codon 305 of the CHRM2 protein (p.Glu305Gly). In summary, the available evidence is currently insufficient to determine the role of this variant in disease. Therefore, it has been classified as a Variant of Uncertain Significance. Algorithms developed to predict the effect of missense changes on protein structure and function (SIFT, PolyPhen-2, Align-GVGD) all suggest that this variant is likely to be tolerated. ClinVar contains an entry for this variant (Variation ID: 1523773). This variant has not been reported in the literature in individuals affected with CHRM2-related conditions.